The following is an entry in ClinVar:

ClinVar aggregate classification (germline): Uncertain significance (1 of 4 stars; one submission).

gnomAD v4.1: 7 of 1,610,336 alleles (0.00043%); highest among the groups gnomAD compares: African/African-American, 0.0027%; no homozygotes.

Submission:

Ambry Genetics
Classification: Uncertain significance. Last evaluated: 2025-11-26. Review status: criteria provided, single submitter. Criteria: Ambry Variant Classification Scheme 2023. Collection method: clinical testing. Allele origin: germline.
Comment: The c.2863C>T (p.R955C) alteration is located in exon 15 (coding exon 14) of the CGN gene. This alteration results from a C to T substitution at nucleotide position 2863, causing the arginine (R) at amino acid position 955 to be replaced by a cysteine (C). Based on data from gnomAD, the T allele has an overall frequency of 0.003% (1/31392) total alleles studied. The highest observed frequency was 0.012% (1/8702) of African alleles. Based on insufficient or conflicting evidence, the clinical significance of this alteration remains unclear.

NM_020770.3(CGN):c.2863C>T (p.Arg955Cys)

Gene: CGN (cingulin; plus strand). Cytogenetic location: 1q21.3.
Variant type: single nucleotide variant.
Coding change: c.2863C>T on transcript NM_020770.3 (MANE Select); coding-DNA position 2863, C replaced by T.
Protein change: p.Arg955Cys; replaces arginine 955 with cysteine.
Molecular consequence: missense variant.
Genome position (GRCh38, 1-based): chr1:151,534,095, C>T. VCF-style: chr1-151534095-C-T. GRCh37 (hg19) VCF-style: chr1-151506571-C-T.
Other names: short protein forms R955C.
Identifiers: ClinVar variation 4653116 (VCV004653116.1).